The following is an entry in ClinVar:

ClinVar aggregate classification (germline): Pathogenic (1 of 4 stars; one submission).

Submission:

Labcorp Genetics (formerly Invitae), Labcorp
Classification: Pathogenic. Last evaluated: 2022-02-10. Review status: criteria provided, single submitter. Criteria: Invitae Variant Classification Sherloc (09022015). Collection method: clinical testing. Allele origin: germline.
Comment: For these reasons, this variant has been classified as Pathogenic. This variant disrupts the p.Cys77 amino acid residue in PHEX. Other variant(s) that disrupt this residue have been observed in individuals with PHEX-related conditions (PMID: 27840894, 30682568; Invitae), which suggests that this may be a clinically significant amino acid residue. Advanced modeling of protein sequence and biophysical properties (such as structural, functional, and spatial information, amino acid conservation, physicochemical variation, residue mobility, and thermodynamic stability) performed at Invitae indicates that this missense variant is expected to disrupt PHEX protein function. ClinVar contains an entry for this variant (Variation ID: 936592). This missense change has been observed in individual(s) with hypophosphatemic rickets (PMID: 9097956, 26051471; Invitae). This variant is not present in population databases (gnomAD no frequency). This sequence change replaces cysteine, which is neutral and slightly polar, with serine, which is neutral and polar, at codon 77 of the PHEX protein (p.Cys77Ser).

Literature cited by the submitters: PubMed 27840894; PubMed 30682568; PubMed 9097956; PubMed 26051471.

NM_000444.6(PHEX):c.230G>C (p.Cys77Ser)

Gene: PHEX (phosphate regulating endopeptidase X-linked; plus strand). Cytogenetic location: Xp22.11.
Variant type: single nucleotide variant.
Coding change: c.230G>C on transcript NM_000444.6 (MANE Select); coding-DNA position 230, G replaced by C.
Protein change: p.Cys77Ser; replaces cysteine 77 with serine.
Molecular consequence: missense variant.
Genome position (GRCh38, 1-based): chrX:22,047,092, G>C. VCF-style: chrX-22047092-G-C. GRCh37 (hg19) VCF-style: chrX-22065210-G-C.
Other names: c.230G>C, p.Cys77Ser (NM_001282754.2); short protein forms C77S.
Identifiers: ClinVar variation 936592 (VCV000936592.9), dbSNP rs1556014263, ClinGen allele CA412567579.